The following is an entry in ClinVar:

NM_001303256.3(MORC2):c.619A>G (p.Met207Val)

Gene: MORC2 (MORC family CW-type zinc finger 2; minus strand). Cytogenetic location: 22q12.2.
Variant type: single nucleotide variant.
Coding change: c.619A>G on transcript NM_001303256.3 (MANE Select); coding-DNA position 619, A replaced by G.
Protein change: p.Met207Val; replaces methionine 207 with valine.
Molecular consequence: missense variant.
Genome position (GRCh38, 1-based): chr22:30,941,970, T>C on the plus strand (A>G on the coding strand, the complement: MORC2 is on the minus strand). VCF-style: chr22-30941970-T-C. GRCh37 (hg19) VCF-style: chr22-31337957-T-C.
Other names: c.619A>G, p.Met207Val (NM_001303257.2); c.433A>G, p.Met145Val (NM_014941.3); short protein forms M145V, M207V.
Identifiers: ClinVar variation 1899179 (VCV001899179.5), dbSNP rs777224974, ClinGen allele CA10187203.

ClinVar aggregate classification (germline): Uncertain significance (1 of 4 stars; one submission).

Conditions:
Charcot-Marie-Tooth disease axonal type 2Z. Also called: CHARCOT-MARIE-TOOTH DISEASE, AXONAL, AUTOSOMAL DOMINANT, TYPE 2Z; CHARCOT-MARIE-TOOTH NEUROPATHY, TYPE 2Z. Identifiers: Orphanet 466768, MedGen C5569025, MONDO:0014736, OMIM 616688.

Allele frequency attached by ClinVar (database versions not stated): TOPMed below 0.00001; gnomAD 0.00001; gnomAD exomes 0.00002; ExAC 0.00004.

Submission:

Labcorp Genetics (formerly Invitae), Labcorp
Classification: Uncertain significance for Charcot-Marie-Tooth disease axonal type 2Z. Last evaluated: 2023-08-14. Review status: criteria provided, single submitter. Criteria: Invitae Variant Classification Sherloc (09022015). Collection method: clinical testing. Allele origin: germline.
Comment: This sequence change replaces methionine, which is neutral and non-polar, with valine, which is neutral and non-polar, at codon 207 of the MORC2 protein (p.Met207Val). This variant is present in population databases (rs777224974, gnomAD 0.004%). This variant has not been reported in the literature in individuals affected with MORC2-related conditions. ClinVar contains an entry for this variant (Variation ID: 1899179). Advanced modeling of protein sequence and biophysical properties (such as structural, functional, and spatial information, amino acid conservation, physicochemical variation, residue mobility, and thermodynamic stability) performed at Invitae indicates that this missense variant is expected to disrupt MORC2 protein function. In summary, the available evidence is currently insufficient to determine the role of this variant in disease. Therefore, it has been classified as a Variant of Uncertain Significance.